The following is an entry in ClinVar:

NC_012920.1(MT-ND5):m.12770A>G

Gene: MT-ND5 (mitochondrially encoded NADH dehydrogenase 5; plus strand).
Variant type: single nucleotide variant.
Genome position: chrM-12770-A-G.
Other names: MTND5, 12770A-G, GLU145GLY; E145G.
Identifiers: ClinVar variation 9699 (VCV000009699.3), dbSNP rs267606894, ClinGen allele CA254855.

ClinVar aggregate classification (germline): Uncertain significance. Review status: reviewed by expert panel (3 of 4 stars). 3 submissions from 3 submitters: Uncertain significance (1). 2 of the submissions do not count toward it. Last evaluated 2023-11-28.

Conditions:
Mitochondrial disease. Also called: Mitochondrial disorder; Mitochondrial disorders. Identifiers: Orphanet 68380, MedGen C0751651, MeSH D028361, MONDO:0044970.
MELAS syndrome (MELAS). Also called: Juvenile myopathy, encephalopathy, lactic acidosis, stroke. Identifiers: Orphanet 550, MedGen C0162671, MONDO:0010789, OMIM 540000.

Submissions (3):

ClinGen Mitochondrial Disease Nuclear and Mitochondrial  Variant Curation Expert Panel, ClinGen
Classification: Uncertain significance for Mitochondrial disease. Last evaluated: 2023-11-28. Review status: reviewed by expert panel. Criteria: clingen mito disease acmg specifications v1-1. Collection method: curation. Allele origin: germline. Inheritance: Mitochondrial inheritance.
Comment: The m.12770A>G (p.E145G) variant in MT-ND5 has been reported in one individual with primary mitochondrial disease to date, in a child with mitochondrial encephalomyopathy, lactic acidosis, and stroke-like episodes (MELAS). The variant was present at 48% heteroplasmy in muscle and 15% in blood (PMID: 12509858). The variant was absent in blood from the mother (PM6_supporting). This variant is absent in the GenBank dataset, Helix dataset, and gnomAD v3.1.2 (PM2_supporting). The computational predictor APOGEE suggests this variant is pathogenic (0.91, range 0-1; PP3). There are no cybrids, single fiber studies, or other functional assays reported on this variant. In summary, this variant meets criteria to be classified as uncertain significance for primary mitochondrial disease inherited in a mitochondrial manner. This classification was approved by the NICHD/NINDS U24 ClinGen Mitochondrial Disease Variant Curation Expert Panel on November 28, 2023. Mitochondrial DNA-specific ACMG/AMP criteria applied (PMID: 32906214): PM6_supporting, PM2_supporting, PP3.

OMIM
Classification: Pathogenic for MELAS SYNDROME. Last evaluated: 2003-01-01. Review status: no assertion criteria provided. Collection method: literature only. Allele origin: germline. Not counted in ClinVar's aggregate classification.

GeneReviews
No classification provided. Condition: MELAS syndrome. Review status: no classification provided. Collection method: literature only. Allele origin: maternal. Not counted in ClinVar's aggregate classification.

Literature cited by the submitters: PubMed 12509858 (cited by OMIM and GeneReviews).